The following is an entry in ClinVar:

NM_000551.4(VHL):c.224TCT[1] (p.Phe76del)

Gene: VHL (von Hippel-Lindau tumor suppressor; plus strand). Cytogenetic location: 3p25.3.
Variant type: Microsatellite.
Coding change: c.224TCT[1] on transcript NM_000551.4 (MANE Select); one copy of the 3-base unit TCT starting at c.224; the reference has two copies in a row; one copy, 3 bases deleted; also written c.227_229del.
Protein change: p.Phe76del; deletes phenylalanine 76.
Molecular consequence: inframe deletion.
Genome position (GRCh38, 1-based): chr3:10,142,074-10,142,076, TCT deleted; deleting any 3 consecutive bases within chr3:10,142,071-10,142,076 gives the same sequence; the position shown is the placement nearest the transcript's 3' end. VCF-style (leftmost placement, unchanged base first): chr3-10142070-ATCT-A. GRCh37 (hg19) VCF-style: chr3-10183754-ATCT-A.
Other names: NM_000551.4(VHL):c.224TCT[1]; p.Phe76del; c.227_229delTCT (NM_000551.4, NM_000551.3); c.224TCT[1], p.Phe76del (NM_001354723.2, NM_198156.3); c.227_229del (NM_000551.4); short protein forms F76del.
Identifiers: ClinVar variation 223166 (VCV000223166.36), dbSNP rs5030648, ClinGen allele CA357012.
Genomic context (GRCh38, chr3:10,142,070, plus strand): 5'-GAGGCCGGGCGGCCGCGGCCCGTGCTGCGCTCGGTGAACTCGCGCGAGCCCTCCCAGGTC[ATCT>A]TCTGCAATCGCAGTCCGCGCGTCGTGCTGCCCGTATGGCTCAACTTCGACGGCGAGCCGC-3'

ClinVar aggregate classification (germline): Pathogenic. Review status: reviewed by expert panel (3 of 4 stars). 15 submissions from 15 submitters: Pathogenic (1). 14 of the submissions do not count toward it. Last evaluated 2026-11-22.

Conditions:
VHL-related disorder. Also called: VHL-related condition.
Von Hippel-Lindau syndrome (VHLS). Also called: Von Hippel-Lindau; von Hippel–Lindau syndrome; VHL syndrome. Identifiers: Orphanet 892, MedGen C0019562, MONDO:0008667, OMIM 193300. Disease mechanism: loss of function.
Chuvash polycythemia. Also called: POLYCYTHEMIA, VHL-DEPENDENT. Identifiers: Orphanet 238557, MedGen C1837915, MONDO:0009892, OMIM 263400.
Hereditary cancer-predisposing syndrome. Also called: Neoplastic Syndromes, Hereditary; Hereditary Cancer Syndrome; Tumor predisposition; Hereditary neoplastic syndrome. Identifiers: Orphanet 140162, MedGen C0027672, MeSH D009386, MONDO:0015356.
Nonpapillary renal cell carcinoma. Identifiers: Orphanet 422526, MedGen CN074294, MONDO:0007763, OMIM 144700.
Pheochromocytoma. Also called: MAX-Related Hereditary Paraganglioma-Pheochromocytoma Syndrome. Identifiers: Orphanet 29072, MedGen C0031511, MONDO:0008233, OMIM 171300, HP:0002666.

Submissions 1 to 7 of 15:

ClinGen VHL Variant Curation Expert Panel, ClinGen
Classification: Pathogenic for Von Hippel-Lindau syndrome. Last evaluated: 2026-11-22. Review status: reviewed by expert panel. Criteria: ClinGen VHL ACMG Specifications VHL V1.1.0. Collection method: curation. Allele origin: germline. Inheritance: Autosomal dominant inheritance.
Comment: The NM_000551.4 (VHL): c.227_229del (p.Phe76del) variant is an in-frame deletion predicted to change the length of the p.VHL due to in-frame deletion in the Beta domain (AA 63-155, Nuclear Export), which is not a repeated region (PM4). This variant is also commonly referred to as F76del, or c.224_226delTCT. This variant is observed in one allele in gnomAD [v4.1.0], no GroupMax Filtering Allele Frequency is calculated due to the presence of a single variant, which is in the European (non-Finish) population (PM2_Supporting). This variant has been reported in as many as 59 unique probands in 25 papers (30.00 proband points), with at least 16 probands meeting VHL Danish criteria (PS4_Very Strong; PMID: 33720516, 17661816, 32179488, 31528828, 8634692, 23632291, 18446368, 29616089, 20064270). This variant has been identified as a de novo occurrence at least twice, with unconfirmed parental relationships in a proband who meets the Danish criteria for VHL Disease (PMID: 17661816) and likely de novo occurrence in a proband who meets the Danish criteria for VHL Disease (with note of the seemingly unaffected parent may be mosaic for the disease because of a somatic mutation acquired during early development; PMID: 23632291). Count = 2, therefore PM6_Strong. This variant resides within the β-domain (amino acids 63-155, Nuclear Export) of VHL, which is defined as a mutational hotspot and critical functional domain by the ClinGen VHL VCEP (PM1; PMID: 35475554). In summary, this variant meets the criteria to be classified as pathogenic for autosomal dominant VHL Syndrome based on the ACMG/AMP criteria applied, as specified by the ClinGen VHL VCEP Version 1.1.0 (Specifications approval date: 01/10/2025). Variant Approval Date 11/22/2026.

Labcorp Genetics (formerly Invitae), Labcorp
Classification: Pathogenic for Von Hippel-Lindau syndrome; Chuvash polycythemia. Last evaluated: 2026-01-11. Review status: criteria provided, single submitter. Criteria: Invitae Variant Classification Sherloc (09022015). Collection method: clinical testing. Allele origin: germline. Not counted in ClinVar's aggregate classification.
Comment: This variant, c.227_229del, results in the deletion of 1 amino acid(s) of the VHL protein (p.Phe76del), but otherwise preserves the integrity of the reading frame. This variant is not present in population databases (gnomAD no frequency). This variant has been observed in individual(s) with Hippel-Lindau syndrome (PMID: 12114495, 17661816, 18446368, 20064270, 20151405, 20567917, 22357542, 23632291, 27439424, 27527340). In at least one individual the variant was observed to be de novo. It has also been observed to segregate with disease in related individuals. ClinVar contains an entry for this variant (Variation ID: 223166). For these reasons, this variant has been classified as Pathogenic.

Ambry Genetics
Classification: Pathogenic for Hereditary cancer-predisposing syndrome. Last evaluated: 2025-11-05. Review status: criteria provided, single submitter. Criteria: Ambry Variant Classification Scheme 2023. Collection method: clinical testing. Allele origin: germline. Not counted in ClinVar's aggregate classification.
Comment: The c.227_229delTCT pathogenic mutation (also known as p.F76del) is located in coding exon 1 of the VHL gene. This pathogenic mutation results from an in-frame TCT deletion at nucleotide positions 227 to 229. This results in the in-frame deletion of a phenylalanine at codon 76. This variant was reported in individual(s) with features consistent with von Hippel-Lindau syndrome (Dallagnol T et al. Mol Genet Genomic Med, 2023 Apr;11:e2136; Faiyaz-Ul-Haque M et al. Cancer Genet, 2020 May;243:1-6; Li Y et al. Front Neurol, 2022 Oct;13:951054; Lomte N et al. Fam Cancer, 2018 Jul;17:441-449; Nordstrom-O'Brien M et al. Hum Mutat, 2010 May;31:521-537; Tamura K et al. Hum Mol Genet, 2023 Mar;32:2046&ndash;2054; Wang Y et al. Oncol Lett, 2018 Apr;15:4882-4890; Ambry internal data). In an assay testing VHL function, this variant showed a functionally abnormal result (Limaverde-Sousa G et al. Proteins, 2013 Feb;81:349-63). Note, this variant is also referred to as c.224_226delTCT and c.226_228delTTC in the literature. This amino acid position is highly conserved in available vertebrate species and the impacted region is critical for protein function (Ambry internal data). In addition, this variant is predicted to be deleterious by in silico analysis (Choi Y et al. PLoS ONE. 2012; 7(10):e46688). This variant is considered to be rare based on population cohorts in the Genome Aggregation Database (gnomAD). As such, this variant is interpreted as a disease-causing mutation.

Variantyx, Inc.
Classification: Pathogenic for Von Hippel-Lindau syndrome. Last evaluated: 2025-11-04. Review status: criteria provided, single submitter. Criteria: Variantyx Assertion Criteria 2022. Collection method: clinical testing. Allele origin: de novo. Inheritance: Autosomal dominant inheritance. Affected: yes. Not counted in ClinVar's aggregate classification.
Comment: This is an inframe deletion variant in the VHL gene (OMIM: 608537). Pathogenic variants in this gene have been associated with autosomal dominant von Hippel-Lindau syndrome. This variant likely occurred de novo in individuals reported in the published literature; however, the possibility of parental germline mosaicism cannot be excluded (PMID: 23632291) (PS2_Moderate). This variant causes an in-frame deletion of a single amino acid at position 76 of the VHL protein (PM4_Supporting). It has been reported in many unrelated affected individuals (PMID: 29616089, 27439424, 20151405, 23632291, 12114495, 20567917, 18446368, 20064270) (PS4_Strong), and observed to segregate with disease in multiple families (PMID: 27439424, 20064270, 20151405, 17661816) (PP1). This variant has a 0.0001% maximum allele frequency in non-founder control populations (PM2). Based on the current evidence, this variant is classified as pathogenic for autosomal dominant von Hippel-Lindau syndrome.

Institute for Genomic Medicine (IGM) Clinical Laboratory, Nationwide Children's Hospital
Classification: Likely pathogenic for Von Hippel-Lindau syndrome. Last evaluated: 2025-06-25. Review status: criteria provided, single submitter. Criteria: ACMG Guidelines, 2015. Collection method: clinical testing. Allele origin: germline. Not counted in ClinVar's aggregate classification.
Comment: This variant has been reported at an elevated frequency in affected individuals/in multiple affected individuals in the literature (ACMG/AMP: PS4; PMIDs:12624160, 16572651, 23632291, 27439434, 29616089). This variant is absent from or present at an exceedingly low frequency in gnomAD, a large-scale control population database (ACMG/AMP: PM2). This variant is predicted to result in an in-frame insertion or deletion in a non-repetitive region (ACMG/AMP: PM4). This variant is in a gene that is highly specific for a disease with a single genetic etiology (ACMG/AMP: PP4).

Women's Health and Genetics/Laboratory Corporation of America, LabCorp
Classification: Pathogenic for Von Hippel-Lindau syndrome. Last evaluated: 2025-03-18. Review status: criteria provided, single submitter. Criteria: LabCorp Variant Classification Summary - May 2015. Collection method: clinical testing. Allele origin: germline. Not counted in ClinVar's aggregate classification.
Comment: Variant summary: VHL c.227_229delTCT (p.Phe76del) results in an in-frame deletion that is predicted to remove one amino acids from the encoded protein. The variant was absent in 232264 control chromosomes. c.227_229delTCT has been reported in the literature in multiple individuals affected with Von Hippel-Lindau Syndrome (e.g. Crossey_1994, Kanno_1996, Maher_1996, Pandit_2016). These data indicate that the variant is very likely to be associated with disease. To our knowledge, no experimental evidence demonstrating an impact on protein function has been reported. The following publications have been ascertained in the context of this evaluation (PMID: 7728151, 7987306, 8641976, 8730290, 27539324). ClinVar contains an entry for this variant (Variation ID: 223166). Based on the evidence outlined above, the variant was classified as pathogenic.

Department of Pathology and Laboratory Medicine, Sinai Health System
Classification: Pathogenic for Nonpapillary renal cell carcinoma; Pheochromocytoma; Von Hippel-Lindau syndrome; Chuvash polycythemia. Last evaluated: 2023-03-21. Review status: criteria provided, single submitter. Criteria: ACMG Guidelines, 2015. Collection method: clinical testing. Allele origin: germline. Not counted in ClinVar's aggregate classification.